The following is an entry in ClinVar:

ClinVar aggregate classification (germline): Uncertain significance (1 of 4 stars; one submission).

Conditions:
FGFR2-related craniosynostosis. Identifiers: MedGen CN231480.

Submission:

Labcorp Genetics (formerly Invitae), Labcorp
Classification: Uncertain significance for FGFR2-related craniosynostosis. Last evaluated: 2024-04-10. Review status: criteria provided, single submitter. Criteria: Invitae Variant Classification Sherloc (09022015). Collection method: clinical testing. Allele origin: germline.
Comment: This sequence change replaces threonine, which is neutral and polar, with alanine, which is neutral and non-polar, at codon 524 of the FGFR2 protein (p.Thr524Ala). This variant is not present in population databases (gnomAD no frequency). This variant has not been reported in the literature in individuals affected with FGFR2-related conditions. ClinVar contains an entry for this variant (Variation ID: 376749). Advanced modeling of protein sequence and biophysical properties (such as structural, functional, and spatial information, amino acid conservation, physicochemical variation, residue mobility, and thermodynamic stability) performed at Invitae indicates that this missense variant is expected to disrupt FGFR2 protein function with a positive predictive value of 95%. In summary, the available evidence is currently insufficient to determine the role of this variant in disease. Therefore, it has been classified as a Variant of Uncertain Significance.

NM_000141.5(FGFR2):c.1570A>G (p.Thr524Ala)

Gene: FGFR2 (fibroblast growth factor receptor 2; minus strand). Cytogenetic location: 10q26.13.
Variant type: single nucleotide variant.
Coding change: c.1570A>G on transcript NM_000141.5 (MANE Select); coding-DNA position 1570, A replaced by G.
Protein change: p.Thr524Ala; replaces threonine 524 with alanine.
Molecular consequence: missense variant. On other transcripts: non-coding transcript variant (1).
Genome position (GRCh38, 1-based): chr10:121,498,597, T>C on the plus strand (A>G on the coding strand, the complement: FGFR2 is on the minus strand). VCF-style: chr10-121498597-T-C. GRCh37 (hg19) VCF-style: chr10-123258111-T-C.
Other names: c.1573A>G, p.Thr525Ala (NM_001144913.1, NM_022970.4); c.1234A>G, p.Thr412Ala (NM_001144914.1); c.1303A>G, p.Thr435Ala (NM_001144915.2, NM_023029.3); c.1225A>G, p.Thr409Ala (NM_001144916.2); c.1222A>G, p.Thr408Ala (NM_001144917.2); c.1219A>G, p.Thr407Ala (NM_001144918.2); c.1306A>G, p.Thr436Ala (NM_001144919.2); c.886A>G, p.Thr296Ala (NM_001320654.2); and 1 more; short protein forms T524A, T525A, T436A, T407A, T408A, T435A, T296A, T522A.
Identifiers: ClinVar variation 376749 (VCV000376749.6), dbSNP rs1057520044, ClinGen allele CA16603155.